The following is an entry in ClinVar:

ClinVar aggregate classification (germline): Uncertain significance. Review status: criteria provided, multiple submitters, no conflicts (2 of 4 stars). 2 submissions from 2 submitters: Uncertain significance (2). Last evaluated 2024-01-03.

Conditions:
Inborn genetic diseases. Identifiers: MedGen C0950123, MeSH D030342.

Allele frequency attached by ClinVar (database versions not stated): gnomAD exomes below 0.00001.
gnomAD v4.1: 4 of 1,614,206 alleles (0.00025%); highest among the groups gnomAD compares: Non-Finnish European, 0.00034%; no homozygotes.

Submissions (2):

Ambry Genetics
Classification: Uncertain significance for Inborn genetic diseases. Last evaluated: 2024-01-03. Review status: criteria provided, single submitter. Criteria: Ambry Variant Classification Scheme 2023. Collection method: clinical testing. Allele origin: germline.

Labcorp Genetics (formerly Invitae), Labcorp
Classification: Uncertain significance. Last evaluated: 2022-07-19. Review status: criteria provided, single submitter. Criteria: Invitae Variant Classification Sherloc (09022015). Collection method: clinical testing. Allele origin: germline.
Comment: In summary, the available evidence is currently insufficient to determine the role of this variant in disease. Therefore, it has been classified as a Variant of Uncertain Significance. Algorithms developed to predict the effect of missense changes on protein structure and function are either unavailable or do not agree on the potential impact of this missense change (SIFT: "Not Available"; PolyPhen-2: "Probably Damaging"; Align-GVGD: "Not Available"). ClinVar contains an entry for this variant (Variation ID: 1347695). This variant has not been reported in the literature in individuals affected with RAB33B-related conditions. This variant is not present in population databases (gnomAD no frequency). This sequence change replaces isoleucine, which is neutral and non-polar, with methionine, which is neutral and non-polar, at codon 191 of the RAB33B protein (p.Ile191Met).

NM_031296.3(RAB33B):c.573A>G (p.Ile191Met)

Gene: RAB33B (RAB33B, member RAS oncogene family; plus strand). Cytogenetic location: 4q31.1.
Variant type: single nucleotide variant.
Coding change: c.573A>G on transcript NM_031296.3 (MANE Select); coding-DNA position 573, A replaced by G.
Protein change: p.Ile191Met; replaces isoleucine 191 with methionine.
Molecular consequence: missense variant.
Genome position (GRCh38, 1-based): chr4:139,473,009, A>G. VCF-style: chr4-139473009-A-G. GRCh37 (hg19) VCF-style: chr4-140394163-A-G.
Other names: c.573A>G (NM_031296.1); short protein forms I191M.
Identifiers: ClinVar variation 1347695 (VCV001347695.9), dbSNP rs2111088016, ClinGen allele CA358273242.